The following is an entry in ClinVar:

ClinVar aggregate classification (germline): Uncertain significance. Review status: criteria provided, multiple submitters, no conflicts (2 of 4 stars). 2 submissions from 2 submitters: Uncertain significance (2). Last evaluated 2022-08-07.

Conditions:
Emery-Dreifuss muscular dystrophy 4, autosomal dominant (EDMD4). Also called: EMERY-DREIFUSS MUSCULAR DYSTROPHY 4 WITH VARIABLE FEATURES. Identifiers: Orphanet 261, MedGen C2751807, MONDO:0013071, OMIM 612998.
Autosomal recessive ataxia, Beauce type. Also called: SYNE1 Deficiency; Spinocerebellar ataxia, autosomal recessive 8; ATAXIA, RECESSIVE, OF BEAUCE; SYNE1-Related Autosomal Recessive Cerebellar Ataxia. Identifiers: Orphanet 88644, MedGen C1853116, MONDO:0012549, OMIM 610743.

Allele frequency attached by ClinVar (database versions not stated): ExAC 0.00001; gnomAD exomes 0.00001.
gnomAD v4.1: 3 of 1,614,004 alleles (0.00019%); highest among the groups gnomAD compares: Admixed American, 0.005%; no homozygotes.

Submissions (2):

Labcorp Genetics (formerly Invitae), Labcorp
Classification: Uncertain significance for Emery-Dreifuss muscular dystrophy 4, autosomal dominant; Autosomal recessive ataxia, Beauce type. Last evaluated: 2022-08-07. Review status: criteria provided, single submitter. Criteria: Invitae Variant Classification Sherloc (09022015). Collection method: clinical testing. Allele origin: germline.
Comment: This sequence change replaces threonine, which is neutral and polar, with serine, which is neutral and polar, at codon 877 of the SYNE1 protein (p.Thr877Ser). This variant is present in population databases (rs773195787, gnomAD 0.009%). This variant has not been reported in the literature in individuals affected with SYNE1-related conditions. ClinVar contains an entry for this variant (Variation ID: 499645). Algorithms developed to predict the effect of missense changes on protein structure and function (SIFT, PolyPhen-2, Align-GVGD) all suggest that this variant is likely to be tolerated. In summary, the available evidence is currently insufficient to determine the role of this variant in disease. Therefore, it has been classified as a Variant of Uncertain Significance.

Eurofins Ntd Llc (ga)
Classification: Uncertain significance. Last evaluated: 2017-01-16. Review status: criteria provided, single submitter. Criteria: EGL Classification Definitions 2015. Collection method: clinical testing. Allele origin: germline. Observed: 1 variant allele, 1 heterozygote.

NM_182961.4(SYNE1):c.2608A>T (p.Thr870Ser)

Gene: SYNE1 (spectrin repeat containing nuclear envelope protein 1; minus strand). Cytogenetic location: 6q25.2.
Variant type: single nucleotide variant.
Coding change: c.2608A>T on transcript NM_182961.4 (MANE Select); coding-DNA position 2608, A replaced by T.
Protein change: p.Thr870Ser; replaces threonine 870 with serine.
Molecular consequence: missense variant.
Genome position (GRCh38, 1-based): chr6:152,456,005, T>A on the plus strand (A>T on the coding strand, the complement: SYNE1 is on the minus strand). VCF-style: chr6-152456005-T-A. GRCh37 (hg19) VCF-style: chr6-152777140-T-A.
Other names: c.2629A>T, p.Thr877Ser (NM_033071.5); short protein forms T870S, T877S.
Identifiers: ClinVar variation 499645 (VCV000499645.6), dbSNP rs773195787, ClinGen allele CA4059079.